The following is an entry in ClinVar:

NM_033004.4(NLRP1):c.4087C>T (p.Pro1363Ser)

Gene: NLRP1 (NLR family pyrin domain containing 1; minus strand). Cytogenetic location: 17p13.2.
Variant type: single nucleotide variant.
Coding change: c.4087C>T on transcript NM_033004.4 (MANE Select); coding-DNA position 4087, C replaced by T.
Protein change: p.Pro1363Ser; replaces proline 1363 with serine.
Molecular consequence: missense variant. On other transcripts: intron variant (1).
Genome position (GRCh38, 1-based): chr17:5,515,488, G>A on the plus strand (C>T on the coding strand, the complement: NLRP1 is on the minus strand). VCF-style: chr17-5515488-G-A. GRCh37 (hg19) VCF-style: chr17-5418808-G-A.
Other names: c.3955C>T, p.Pro1319Ser (NM_014922.5); c.3997C>T, p.Pro1333Ser (NM_033006.4); c.3865C>T, p.Pro1289Ser (NM_033007.4); c.4069+2258C>T (NM_001033053.3); short protein forms P1333S, P1363S, P1289S, P1319S.
Identifiers: ClinVar variation 1463445 (VCV001463445.6), dbSNP rs1395243781, ClinGen allele CA397387790.

ClinVar aggregate classification (germline): Uncertain significance (1 of 4 stars; one submission).

Allele frequency attached by ClinVar (database versions not stated): gnomAD exomes below 0.00001.
gnomAD v4.1: 2 of 1,613,646 alleles (0.00012%); highest among the groups gnomAD compares: Non-Finnish European, 0.00017%; no homozygotes.

Submission:

Labcorp Genetics (formerly Invitae), Labcorp
Classification: Uncertain significance. Last evaluated: 2023-01-17. Review status: criteria provided, single submitter. Criteria: Invitae Variant Classification Sherloc (09022015). Collection method: clinical testing. Allele origin: germline.
Comment: In summary, the available evidence is currently insufficient to determine the role of this variant in disease. Therefore, it has been classified as a Variant of Uncertain Significance. Algorithms developed to predict the effect of missense changes on protein structure and function output the following: SIFT: "Tolerated"; PolyPhen-2: "Benign"; Align-GVGD: "Class C0". The serine amino acid residue is found in multiple mammalian species, which suggests that this missense change does not adversely affect protein function. ClinVar contains an entry for this variant (Variation ID: 1463445). This variant has not been reported in the literature in individuals affected with NLRP1-related conditions. This variant is present in population databases (no rsID available, gnomAD 0.0009%). This sequence change replaces proline, which is neutral and non-polar, with serine, which is neutral and polar, at codon 1363 of the NLRP1 protein (p.Pro1363Ser).